The following is an entry in ClinVar:

NM_000481.4(AMT):c.248A>C (p.His83Pro)

Gene: AMT (aminomethyltransferase; minus strand). Cytogenetic location: 3p21.31.
Variant type: single nucleotide variant.
Coding change: c.248A>C on transcript NM_000481.4 (MANE Select); coding-DNA position 248, A replaced by C.
Protein change: p.His83Pro; replaces histidine 83 with proline.
Molecular consequence: missense variant. On other transcripts: non-coding transcript variant (1), intron variant (1).
Genome position (GRCh38, 1-based): chr3:49,422,114, T>G on the plus strand (A>C on the coding strand, the complement: AMT is on the minus strand). VCF-style: chr3-49422114-T-G. GRCh37 (hg19) VCF-style: chr3-49459547-T-G.
Other names: c.248A>C, p.His83Pro (NM_001164710.2, NM_001164712.2); c.90+247A>C (NM_001164711.2); short protein forms H83P.
Identifiers: ClinVar variation 2996375 (VCV002996375.3), dbSNP rs1467607949, ClinGen allele CA352791030.

ClinVar aggregate classification (germline): Likely pathogenic (1 of 4 stars; one submission).

Conditions:
Glycine encephalopathy. Also called: Nonketotic hyperglycinemia; Non-ketotic hyperglycinemia. Identifiers: Orphanet 407, MedGen C0751748, MONDO:0011612, HP:0008288.

Submission:

Labcorp Genetics (formerly Invitae), Labcorp
Classification: Likely pathogenic for Glycine encephalopathy. Last evaluated: 2023-08-11. Review status: criteria provided, single submitter. Criteria: Invitae Variant Classification Sherloc (09022015). Collection method: clinical testing. Allele origin: germline.
Comment: In summary, the currently available evidence indicates that the variant is pathogenic, but additional data are needed to prove that conclusively. Therefore, this variant has been classified as Likely Pathogenic. This variant disrupts the p.His83 amino acid residue in AMT. Other variant(s) that disrupt this residue have been determined to be pathogenic (PMID: 22532538). This suggests that this residue is clinically significant, and that variants that disrupt this residue are likely to be disease-causing. Advanced modeling of protein sequence and biophysical properties (such as structural, functional, and spatial information, amino acid conservation, physicochemical variation, residue mobility, and thermodynamic stability) performed at Invitae indicates that this missense variant is expected to disrupt AMT protein function. This variant has not been reported in the literature in individuals affected with AMT-related conditions. This variant is not present in population databases (gnomAD no frequency). This sequence change replaces histidine, which is basic and polar, with proline, which is neutral and non-polar, at codon 83 of the AMT protein (p.His83Pro).

Literature cited by the submitters: PubMed 22532538.